The following is an entry in ClinVar:

NM_006785.4(MALT1):c.253G>A (p.Glu85Lys)

Gene: MALT1 (MALT1 paracaspase; plus strand). Cytogenetic location: 18q21.32.
Variant type: single nucleotide variant.
Coding change: c.253G>A on transcript NM_006785.4 (MANE Select); coding-DNA position 253, G replaced by A.
Protein change: p.Glu85Lys; replaces glutamic acid 85 with lysine.
Molecular consequence: missense variant.
Genome position (GRCh38, 1-based): chr18:58,681,213, G>A. VCF-style: chr18-58681213-G-A. GRCh37 (hg19) VCF-style: chr18-56348445-G-A.
Other names: c.253G>A, p.Glu85Lys (NM_173844.3, LRG_1221t1); short protein forms E85K.
Identifiers: ClinVar variation 547934 (VCV000547934.8), dbSNP rs1229588896, ClinGen allele CA402572118.

ClinVar aggregate classification (germline): Uncertain significance. Review status: criteria provided, multiple submitters, no conflicts (2 of 4 stars). 2 submissions from 2 submitters: Uncertain significance (2). Last evaluated 2024-09-06.

Conditions:
Combined immunodeficiency due to MALT1 deficiency. Also called: Immunodeficiency 12. Identifiers: Orphanet 397964, MedGen C3809583, MONDO:0014197, OMIM 615468.

Allele frequency attached by ClinVar (database versions not stated): gnomAD exomes below 0.00001.
gnomAD v4.1: 2 of 1,614,186 alleles (0.00012%); highest among the groups gnomAD compares: Non-Finnish European, 0.00017%; no homozygotes.

Submissions (2):

Labcorp Genetics (formerly Invitae), Labcorp
Classification: Uncertain significance for Combined immunodeficiency due to MALT1 deficiency. Last evaluated: 2024-09-06. Review status: criteria provided, single submitter. Criteria: Invitae Variant Classification Sherloc (09022015). Collection method: clinical testing. Allele origin: germline.
Comment: This sequence change replaces glutamic acid, which is acidic and polar, with lysine, which is basic and polar, at codon 85 of the MALT1 protein (p.Glu85Lys). This variant is present in population databases (no rsID available, gnomAD 0.0009%). This variant has not been reported in the literature in individuals affected with MALT1-related conditions. ClinVar contains an entry for this variant (Variation ID: 547934). Invitae Evidence Modeling of protein sequence and biophysical properties (such as structural, functional, and spatial information, amino acid conservation, physicochemical variation, residue mobility, and thermodynamic stability) indicates that this missense variant is not expected to disrupt MALT1 protein function with a negative predictive value of 80%. In summary, the available evidence is currently insufficient to determine the role of this variant in disease. Therefore, it has been classified as a Variant of Uncertain Significance.

Mayo Clinic Laboratories, Mayo Clinic
Classification: Uncertain significance for Combined immunodeficiency due to MALT1 deficiency. Last evaluated: 2017-02-06. Review status: criteria provided, single submitter. Criteria: ACMG Guidelines, 2015. Collection method: clinical testing. Allele origin: maternal.